The following is an entry in ClinVar:

ClinVar aggregate classification (germline): Uncertain significance (1 of 4 stars; one submission).

Submission:

Women's Health and Genetics/Laboratory Corporation of America, LabCorp
Classification: Uncertain significance. Last evaluated: 2024-02-28. Review status: criteria provided, single submitter. Criteria: LabCorp Variant Classification Summary - May 2015. Collection method: clinical testing. Allele origin: germline.
Comment: Variant summary: POLG c.2785A>T (p.Thr929Ser) results in a conservative amino acid change located in the DNA-directed DNA polymerase, family A, palm domain (IPR001098) of the encoded protein sequence. Three of five in-silico tools predict a damaging effect of the variant on protein function. The frequency data for this variant in gnomAD is considered unreliable, as metrics indicate poor data quality at this position. To our knowledge, no occurrence of c.2785A>T in individuals affected with POLG-Related Spectrum Disorders and no experimental evidence demonstrating its impact on protein function have been reported. No submitters have cited clinical-significance assessments for this variant to ClinVar. Based on the evidence outlined above, the variant was classified as uncertain significance.

NM_002693.3(POLG):c.2785A>T (p.Thr929Ser)

Gene: POLG (DNA polymerase gamma, catalytic subunit; minus strand). Cytogenetic location: 15q26.1.
Variant type: single nucleotide variant.
Coding change: c.2785A>T on transcript NM_002693.3 (MANE Select); coding-DNA position 2785, A replaced by T.
Protein change: p.Thr929Ser; replaces threonine 929 with serine.
Molecular consequence: missense variant.
Genome position (GRCh38, 1-based): chr15:89,320,962, T>A on the plus strand (A>T on the coding strand, the complement: POLG is on the minus strand). VCF-style: chr15-89320962-T-A. GRCh37 (hg19) VCF-style: chr15-89864193-T-A.
Other names: c.2785A>T, p.Thr929Ser (NM_001126131.2); short protein forms T929S.
Identifiers: ClinVar variation 3068992 (VCV003068992.2), dbSNP rs2055386487, ClinGen allele CA393753127.